The following is an entry in ClinVar:

ClinVar aggregate classification (germline): Uncertain significance. Review status: criteria provided, multiple submitters, no conflicts (2 of 4 stars). 2 submissions from 2 submitters: Uncertain significance (2). Last evaluated 2025-09-26.

Conditions:
Hereditary cancer-predisposing syndrome. Also called: Hereditary neoplastic syndrome; Tumor predisposition; Neoplastic Syndromes, Hereditary; Hereditary Cancer Syndrome. Identifiers: Orphanet 140162, MedGen C0027672, MeSH D009386, MONDO:0015356.
Fanconi anemia complementation group J. Also called: BRIP1-Related Fanconi Anemia. Identifiers: Orphanet 84, MedGen C1836860, MONDO:0012187, OMIM 609054.
Familial cancer of breast. Also called: hereditary breast carcinoma; BREAST CANCER, FAMILIAL; Hereditary breast cancer. Identifiers: Orphanet 227535, MedGen C0346153, MONDO:0016419, OMIM 114480. Disease mechanism: loss of function.

Submissions (2):

Ambry Genetics
Classification: Uncertain significance for Hereditary cancer-predisposing syndrome. Last evaluated: 2025-09-26. Review status: criteria provided, single submitter. Criteria: Ambry Variant Classification Scheme 2023. Collection method: clinical testing. Allele origin: germline.
Comment: The p.K1146I variant (also known as c.3437A>T), located in coding exon 19 of the BRIP1 gene, results from an A to T substitution at nucleotide position 3437. The lysine at codon 1146 is replaced by isoleucine, an amino acid with dissimilar properties. This amino acid position is not well conserved in available vertebrate species. In addition, this alteration is predicted to be tolerated by in silico analysis. Since supporting evidence is limited at this time, the clinical significance of this alteration remains unclear.

Labcorp Genetics (formerly Invitae), Labcorp
Classification: Uncertain significance for Familial cancer of breast; Fanconi anemia complementation group J. Last evaluated: 2024-05-19. Review status: criteria provided, single submitter. Criteria: Invitae Variant Classification Sherloc (09022015). Collection method: clinical testing. Allele origin: germline.
Comment: This sequence change replaces lysine, which is basic and polar, with isoleucine, which is neutral and non-polar, at codon 1146 of the BRIP1 protein (p.Lys1146Ile). This variant is not present in population databases (gnomAD no frequency). This variant has not been reported in the literature in individuals affected with BRIP1-related conditions. ClinVar contains an entry for this variant (Variation ID: 856204). An algorithm developed to predict the effect of missense changes on protein structure and function (PolyPhen-2) suggests that this variant is likely to be disruptive. In summary, the available evidence is currently insufficient to determine the role of this variant in disease. Therefore, it has been classified as a Variant of Uncertain Significance.

NM_032043.3(BRIP1):c.3437A>T (p.Lys1146Ile)

Gene: BRIP1 (BRCA1 interacting DNA helicase 1; minus strand). Cytogenetic location: 17q23.2.
Variant type: single nucleotide variant.
Coding change: c.3437A>T on transcript NM_032043.3 (MANE Select); coding-DNA position 3437, A replaced by T.
Protein change: p.Lys1146Ile; replaces lysine 1146 with isoleucine.
Molecular consequence: missense variant.
Genome position (GRCh38, 1-based): chr17:61,683,609, T>A on the plus strand (A>T on the coding strand, the complement: BRIP1 is on the minus strand). VCF-style: chr17-61683609-T-A. GRCh37 (hg19) VCF-style: chr17-59760970-T-A.
Other names: short protein forms K1146I.
Identifiers: ClinVar variation 856204 (VCV000856204.13), dbSNP rs1567727955, ClinGen allele CA400478729.